The following is an entry in ClinVar:

ClinVar aggregate classification (germline): Uncertain significance (1 of 4 stars; one submission).

Conditions:
Developmental delay, impaired speech, and behavioral abnormalities. Identifiers: MedGen C5561957, MONDO:0859178, OMIM 619475.

Submission:

Juno Genomics, Hangzhou Juno Genomics, Inc
Classification: Uncertain significance for Developmental delay, impaired speech, and behavioral abnormalities. Review status: criteria provided, single submitter. Criteria: ACMG Guidelines, 2015. Collection method: clinical testing. Allele origin: germline.
Comment: Absent from controls (or at extremely low frequency if recessive) in Genome Aggregation Database.;Missense variant in a gene that has a low rate of benign missense variation.

NM_003128.3(SPTBN1):c.2036A>G (p.Lys679Arg)

Gene: SPTBN1 (spectrin beta, non-erythrocytic 1; plus strand). Cytogenetic location: 2p16.2.
Variant type: single nucleotide variant.
Coding change: c.2036A>G on transcript NM_003128.3 (MANE Select); coding-DNA position 2036, A replaced by G.
Protein change: p.Lys679Arg; replaces lysine 679 with arginine.
Molecular consequence: missense variant.
Genome position (GRCh38, 1-based): chr2:54,629,170, A>G. VCF-style: chr2-54629170-A-G. GRCh37 (hg19) VCF-style: chr2-54856307-A-G.
Other names: c.1997A>G, p.Lys666Arg (NM_178313.3); short protein forms K666R, K679R.
Identifiers: ClinVar variation 5006309 (VCV005006309.2).